The following is an entry in ClinVar:

NM_144573.4(NEXN):c.2021A>C (p.Lys674Thr)

Gene: NEXN (nexilin F-actin binding protein; plus strand). Cytogenetic location: 1p31.1.
Variant type: single nucleotide variant.
Coding change: c.2021A>C on transcript NM_144573.4 (MANE Select); coding-DNA position 2021, A replaced by C.
Protein change: p.Lys674Thr; replaces lysine 674 with threonine.
Molecular consequence: missense variant.
Genome position (GRCh38, 1-based): chr1:77,942,822, A>C. VCF-style: chr1-77942822-A-C. GRCh37 (hg19) VCF-style: chr1-78408507-A-C.
Other names: c.1829A>C, p.Lys610Thr (NM_001172309.2); short protein forms K674T, K610T.
Identifiers: ClinVar variation 1519411 (VCV001519411.10), dbSNP rs886046535, ClinGen allele CA10610758.

ClinVar aggregate classification (germline): Uncertain significance. Review status: criteria provided, multiple submitters, no conflicts (2 of 4 stars). 2 submissions from 2 submitters: Uncertain significance (2). Last evaluated 2022-07-11.

Conditions:
Dilated cardiomyopathy 1CC (CMD1CC). Identifiers: Orphanet 154, MedGen C2751084, MONDO:0013147, OMIM 613122.
Hypertrophic cardiomyopathy 20. Identifiers: MedGen C3151267, MONDO:0013477, OMIM 613876.
Cardiovascular phenotype. Identifiers: MedGen CN230736.

Allele frequency attached by ClinVar (database versions not stated): TOPMed below 0.00001; gnomAD exomes 0.00002.
gnomAD v4.1: 10 of 1,606,064 alleles (0.00062%); highest among the groups gnomAD compares: Non-Finnish European, 0.00026%; no homozygotes.

Submissions (2):

Labcorp Genetics (formerly Invitae), Labcorp
Classification: Uncertain significance for Dilated cardiomyopathy 1CC; Hypertrophic cardiomyopathy 20. Last evaluated: 2022-07-11. Review status: criteria provided, single submitter. Criteria: Invitae Variant Classification Sherloc (09022015). Collection method: clinical testing. Allele origin: germline.
Comment: In summary, the available evidence is currently insufficient to determine the role of this variant in disease. Therefore, it has been classified as a Variant of Uncertain Significance. Algorithms developed to predict the effect of sequence changes on RNA splicing suggest that this variant may disrupt the consensus splice site. Algorithms developed to predict the effect of missense changes on protein structure and function are either unavailable or do not agree on the potential impact of this missense change (SIFT: "Tolerated"; PolyPhen-2: "Probably Damaging"; Align-GVGD: "Class C0"). ClinVar contains an entry for this variant (Variation ID: 1519411). This variant has not been reported in the literature in individuals affected with NEXN-related conditions. This variant is present in population databases (no rsID available, gnomAD 0.01%). This sequence change replaces lysine, which is basic and polar, with threonine, which is neutral and polar, at codon 674 of the NEXN protein (p.Lys674Thr).

Ambry Genetics
Classification: Uncertain significance for Cardiovascular phenotype. Last evaluated: 2021-07-27. Review status: criteria provided, single submitter. Criteria: Ambry Variant Classification Scheme 2023. Collection method: clinical testing. Allele origin: germline.
Comment: The p.K674T variant (also known as c.2021A>C), located in coding exon 12 of the NEXN gene, results from an A to C substitution at nucleotide position 2021. The lysine at codon 674 is replaced by threonine, an amino acid with similar properties. This amino acid position is conserved. In addition, the in silico prediction for this alteration is inconclusive. Since supporting evidence is limited at this time, the clinical significance of this alteration remains unclear.